The following is an entry in ClinVar:

NM_006005.3(WFS1):c.132C>A (p.Pro44=)

Gene: WFS1 (wolframin ER transmembrane glycoprotein; plus strand). Cytogenetic location: 4p16.1.
Variant type: single nucleotide variant.
Coding change: c.132C>A on transcript NM_006005.3 (MANE Select); coding-DNA position 132, C replaced by A.
Protein change: p.Pro44=; no amino-acid change (proline 44 retained).
Molecular consequence: synonymous variant.
Genome position (GRCh38, 1-based): chr4:6,277,587, C>A. VCF-style: chr4-6277587-C-A. GRCh37 (hg19) VCF-style: chr4-6279314-C-A.
Other names: c.132C>A, p.Pro44= (NM_001145853.1).
Identifiers: ClinVar variation 506834 (VCV000506834.26), dbSNP rs754346893, ClinGen allele CA2838804.

ClinVar aggregate classification (germline): Likely benign. Review status: criteria provided, multiple submitters, no conflicts (2 of 4 stars). 5 submissions from 5 submitters: Likely benign (4). 1 of the submissions does not count toward it. Last evaluated 2025-05-16.

Conditions:
WFS1-related disorder. Identifiers: MedGen CN379391, MONDO:0700293.

Allele frequency attached by ClinVar (database versions not stated): TOPMed 0.00003.
gnomAD v4.1: 108 of 1,581,278 alleles (0.0068%); highest among the groups gnomAD compares: Non-Finnish European, 0.0088%; no homozygotes.

Submissions (5):

Labcorp Genetics (formerly Invitae), Labcorp
Classification: Likely benign. Last evaluated: 2025-05-16. Review status: criteria provided, single submitter. Criteria: Invitae Variant Classification Sherloc (09022015). Collection method: clinical testing. Allele origin: germline.

CeGaT Center for Human Genetics Tuebingen
Classification: Likely benign. Last evaluated: 2024-07-01. Review status: criteria provided, single submitter. Criteria: CeGaT Center For Human Genetics Tuebingen Variant Classification Criteria Version 2. Collection method: clinical testing. Allele origin: germline. Affected: yes. Observed: 1 variant allele.
Comment: WFS1: BP4, BP7

Blueprint Genetics
Classification: Likely benign. Last evaluated: 2024-03-13. Review status: criteria provided, single submitter. Criteria: ACMG Guidelines, 2015. Collection method: clinical testing. Allele origin: germline.

GeneDx
Classification: Likely benign. Last evaluated: 2017-01-20. Review status: criteria provided, single submitter. Criteria: GeneDx Variant Classification (06012015). Collection method: clinical testing. Allele origin: germline. Affected: yes.
Comment: This variant is considered likely benign or benign based on one or more of the following criteria: it is a conservative change, it occurs at a poorly conserved position in the protein, it is predicted to be benign by multiple in silico algorithms, and/or has population frequency not consistent with disease.

PreventionGenetics, part of Exact Sciences
Classification: Likely benign for WFS1-related condition. Last evaluated: 2020-10-21. Review status: no assertion criteria provided. Collection method: clinical testing. Allele origin: germline. Not counted in ClinVar's aggregate classification.
Comment: This variant is classified as likely benign based on ACMG/AMP sequence variant interpretation guidelines (Richards et al. 2015 PMID: 25741868, with internal and published modifications).